The following is an entry in ClinVar:

ClinVar aggregate classification (germline): Benign/Likely benign. Review status: criteria provided, multiple submitters, no conflicts (2 of 4 stars). 3 submissions from 3 submitters: Benign (1); Likely benign (2). Last evaluated 2025-04-02.

Conditions:
Pheochromocytoma. Also called: MAX-Related Hereditary Paraganglioma-Pheochromocytoma Syndrome. Identifiers: Orphanet 29072, MedGen C0031511, MONDO:0008233, OMIM 171300, HP:0002666.
Cowden syndrome 3 (CWS3). Identifiers: Orphanet 201, MedGen CN166604, MONDO:0014045.
Carney-Stratakis syndrome. Also called: PARAGANGLIOMA AND GASTROINTESTINAL STROMAL TUMOR. Identifiers: Orphanet 97286, MedGen C1847319, MONDO:0011740, OMIM 606864.
Paragangliomas with sensorineural hearing loss. Identifiers: MedGen C1868633.
Pheochromocytoma/paraganglioma syndrome 1. Also called: PARAGANGLIOMATA; Paragangliomas 1; Glomus tumors familial 1; PARAGANGLIOMAS, FAMILIAL NONCHROMAFFIN, 1; PGL 1; Paragangliomas familial 1. Identifiers: Orphanet 29072, MedGen C3494181, MONDO:0008192, OMIM 168000.
Hereditary cancer-predisposing syndrome. Also called: Tumor predisposition; Neoplastic Syndromes, Hereditary; Hereditary Cancer Syndrome; Hereditary neoplastic syndrome. Identifiers: Orphanet 140162, MedGen C0027672, MeSH D009386, MONDO:0015356.

Allele frequency attached by ClinVar (database versions not stated): TOPMed below 0.00001.

Submissions (3):

Labcorp Genetics (formerly Invitae), Labcorp
Classification: Likely benign for Carney-Stratakis syndrome; Paragangliomas with sensorineural hearing loss; Pheochromocytoma; Cowden syndrome 3. Last evaluated: 2025-04-02. Review status: criteria provided, single submitter. Criteria: Invitae Variant Classification Sherloc (09022015). Collection method: clinical testing. Allele origin: germline.

Myriad Genetics, Inc.
Classification: Benign for Pheochromocytoma/paraganglioma syndrome 1. Last evaluated: 2025-03-17. Review status: criteria provided, single submitter. Criteria: Myriad Autosomal Dominant, Autosomal Recessive and X-Linked Classification Criteria (2023). Collection method: clinical testing. Allele origin: unknown.
Comment: This variant is considered benign. This variant is a silent/synonymous amino acid change and it is not expected to impact splicing.

Ambry Genetics
Classification: Likely benign for Hereditary cancer-predisposing syndrome. Last evaluated: 2022-07-14. Review status: criteria provided, single submitter. Criteria: Ambry Variant Classification Scheme 2023. Collection method: clinical testing. Allele origin: germline.

NM_003002.4(SDHD):c.216C>T (p.Val72=)

Gene: SDHD (succinate dehydrogenase complex subunit D; plus strand). Cytogenetic location: 11q23.1.
Variant type: single nucleotide variant.
Coding change: c.216C>T on transcript NM_003002.4 (MANE Select); coding-DNA position 216, C replaced by T.
Protein change: p.Val72=; no amino-acid change (valine 72 retained).
Molecular consequence: synonymous variant. On other transcripts: non-coding transcript variant (1), intron variant (1).
Genome position (GRCh38, 1-based): chr11:112,088,913, C>T. VCF-style: chr11-112088913-C-T. GRCh37 (hg19) VCF-style: chr11-111959637-C-T.
Other names: c.99C>T, p.Val33= (NM_001276504.2); c.216C>T, p.Val72= (NM_001276506.2); c.169+940C>T (NM_001276503.2).
Identifiers: ClinVar variation 1787061 (VCV001787061.8), dbSNP rs1592780438, ClinGen allele CA476790373.
Genomic context (GRCh38, chr11:112,088,913, plus strand): 5'-GGTCCTTTTTGTAGCTGGCTCCAAGGCTGCATCTCTCCACTGGACTAGCGAGAGGGTTGT[C>T]AGTGTTTTGCTCCTGGGTCTGCTTCCGGCTGCTTATTTGAATCCTTGCTCTGCGATGGAC-3'
Protein context (NP_002993.1, residues 62-82): ASLHWTSERV[Val72=]SVLLLGLLPA